The following is an entry in ClinVar:

ClinVar aggregate classification (germline): Likely benign. Review status: criteria provided, multiple submitters, no conflicts (2 of 4 stars). 2 submissions from 2 submitters: Likely benign (2). Last evaluated 2025-07-02.

Conditions:
PHIP-related disorder. Also called: PHIP-related condition; PHIP-related disorders.

Allele frequency attached by ClinVar (database versions not stated): gnomAD 0.00001.

Submissions (2):

PreventionGenetics, part of Exact Sciences
Classification: Likely benign for PHIP-related condition. Last evaluated: 2025-07-02. Review status: criteria provided, single submitter. Criteria: ACMG Guidelines, 2015. Collection method: clinical testing. Allele origin: germline.
Comment: This variant is classified as likely benign based on ACMG/AMP sequence variant interpretation guidelines (Richards et al. 2015 PMID: 25741868, with internal and published modifications).

Labcorp Genetics (formerly Invitae), Labcorp
Classification: Likely benign. Last evaluated: 2024-10-06. Review status: criteria provided, single submitter. Criteria: Invitae Variant Classification Sherloc (09022015). Collection method: clinical testing. Allele origin: germline.

NM_017934.7(PHIP):c.3852+8A>G

Genes: IRAK1BP1 (interleukin 1 receptor associated kinase 1 binding protein 1; plus strand), PHIP (PHIP subunit of CUL4-Ring ligase complex; minus strand). Cytogenetic location: 6q14.1.
Variant type: single nucleotide variant.
Coding change: c.3852+8A>G on transcript NM_017934.7 (MANE Select); 8 bases into the intron after coding-DNA position 3852, A replaced by G.
Molecular consequence: intron variant.
Genome position (GRCh38, 1-based): chr6:78,955,605, T>C on the plus strand (A>G on the coding strand, the complement: PHIP is on the minus strand). VCF-style: chr6-78955605-T-C. GRCh37 (hg19) VCF-style: chr6-79665322-T-C.
Other names: c.3852+8A>G (NM_017934.6).
Identifiers: ClinVar variation 2132638 (VCV002132638.5), dbSNP rs1214220727, ClinGen allele CA568276137.